The following is an entry in ClinVar:

NM_145290.4(ADGRA3):c.3008T>C (p.Leu1003Ser)

Gene: ADGRA3 (adhesion G protein-coupled receptor A3; minus strand). Cytogenetic location: 4p15.2.
Variant type: single nucleotide variant.
Coding change: c.3008T>C on transcript NM_145290.4 (MANE Select); coding-DNA position 3008, T replaced by C.
Protein change: p.Leu1003Ser; replaces leucine 1003 with serine.
Molecular consequence: missense variant.
Genome position (GRCh38, 1-based): chr4:22,388,663, A>G on the plus strand (T>C on the coding strand, the complement: ADGRA3 is on the minus strand). VCF-style: chr4-22388663-A-G. GRCh37 (hg19) VCF-style: chr4-22390286-A-G.
Other names: short protein forms L1003S.
Identifiers: ClinVar variation 2820481 (VCV002820481.3), dbSNP rs770843149, ClinGen allele CA2873467.

ClinVar aggregate classification (germline): Uncertain significance (1 of 4 stars; one submission).

Allele frequency attached by ClinVar (database versions not stated): ExAC 0.00001; gnomAD exomes 0.00001.
gnomAD v4.1: 5 of 1,614,112 alleles (0.00031%); highest among the groups gnomAD compares: South Asian, 0.0055%; no homozygotes.

Submission:

Labcorp Genetics (formerly Invitae), Labcorp
Classification: Uncertain significance. Last evaluated: 2022-12-12. Review status: criteria provided, single submitter. Criteria: Invitae Variant Classification Sherloc (09022015). Collection method: clinical testing. Allele origin: germline.
Comment: In summary, the available evidence is currently insufficient to determine the role of this variant in disease. Therefore, it has been classified as a Variant of Uncertain Significance. Algorithms developed to predict the effect of missense changes on protein structure and function (SIFT, PolyPhen-2, Align-GVGD) all suggest that this variant is likely to be disruptive. This variant has not been reported in the literature in individuals affected with ADGRA3-related conditions. This variant is present in population databases (rs770843149, gnomAD 0.003%). This sequence change replaces leucine, which is neutral and non-polar, with serine, which is neutral and polar, at codon 1003 of the ADGRA3 protein (p.Leu1003Ser).